The following is an entry in ClinVar:

ClinVar aggregate classification (germline): Uncertain significance (1 of 4 stars; one submission).

Conditions:
Cardiovascular phenotype. Identifiers: MedGen CN230736.

Submission:

Ambry Genetics
Classification: Uncertain significance for Cardiovascular phenotype. Last evaluated: 2026-08-16. Review status: criteria provided, single submitter. Criteria: Ambry Variant Classification Scheme 2023. Collection method: clinical testing. Allele origin: germline.
Comment: The p.G167A variant (also known as c.500G>C), located in coding exon 3 of the CBL gene, results from a G to C substitution at nucleotide position 500. The glycine at codon 167 is replaced by alanine, an amino acid with similar properties. This amino acid position is conserved. In addition, this alteration is predicted to be tolerated by in silico analysis. Based on the available evidence, the clinical significance of this variant remains unclear.

NM_005188.4(CBL):c.500G>C (p.Gly167Ala)

Gene: CBL (Cbl proto-oncogene; plus strand). Cytogenetic location: 11q23.3.
Variant type: single nucleotide variant.
Coding change: c.500G>C on transcript NM_005188.4 (MANE Select); coding-DNA position 500, G replaced by C.
Protein change: p.Gly167Ala; replaces glycine 167 with alanine.
Molecular consequence: missense variant.
Genome position (GRCh38, 1-based): chr11:119,271,791, G>C. VCF-style: chr11-119271791-G-C. GRCh37 (hg19) VCF-style: chr11-119142501-G-C.
Other names: short protein forms G167A.
Identifiers: ClinVar variation 5033767 (VCV005033767.1).